The following is an entry in ClinVar:

NM_000271.5(NPC1):c.3273C>G (p.Tyr1091Ter)

Gene: NPC1 (NPC intracellular cholesterol transporter 1; minus strand). Cytogenetic location: 18q11.2.
Variant type: single nucleotide variant.
Coding change: c.3273C>G on transcript NM_000271.5 (MANE Select); coding-DNA position 3273, C replaced by G.
Protein change: p.Tyr1091Ter; replaces tyrosine 1091 with a stop codon.
Molecular consequence: nonsense.
Genome position (GRCh38, 1-based): chr18:23,535,673, G>C on the plus strand (C>G on the coding strand, the complement: NPC1 is on the minus strand). VCF-style: chr18-23535673-G-C. GRCh37 (hg19) VCF-style: chr18-21115637-G-C.
Other names: short protein forms Y1091*.
Identifiers: ClinVar variation 984316 (VCV000984316.3), dbSNP rs1598937493, ClinGen allele CA401791550.

ClinVar aggregate classification (germline): Likely pathogenic (1 of 4 stars; one submission).

Conditions:
Niemann-Pick disease, type C1. Also called: NIEMANN-PICK DISEASE, VARIANT TYPE C1; NIEMANN-PICK DISEASE WITHOUT SPHINGOMYELINASE DEFICIENCY; NIEMANN-PICK DISEASE, CHRONIC NEURONOPATHIC FORM; NEUROVISCERAL STORAGE DISEASE WITH VERTICAL SUPRANUCLEAR OPHTHALMOPLEGIA; NIEMANN-PICK DISEASE WITH CHOLESTEROL ESTERIFICATION BLOCK. Identifiers: Orphanet 646, MedGen C3179455, MONDO:0009757, OMIM 257220.

Submission:

Myriad Genetics, Inc.
Classification: Likely pathogenic for Niemann-Pick disease, type C1. Last evaluated: 2019-12-16. Review status: criteria provided, single submitter. Criteria: Myriad Women's Health Autosomal Recessive and X-Linked Classification Criteria (2019). Collection method: clinical testing. Allele origin: unknown.
Comment: NM_000271.4(NPC1):c.3273C>G(Y1091*) is expected to be pathogenic in the context of Niemann-Pick disease type C1. This variant is predicted to lead to an abnormal or absent protein product due to the creation of a premature termination codon in NPC1, a gene where loss-of-function variants are known to be pathogenic. Please note: this variant was assessed in the context of healthy population screening.